The following is an entry in ClinVar:

NM_001384732.1(CPLANE1):c.1922A>G (p.His641Arg)

Gene: CPLANE1 (ciliogenesis and planar polarity effector complex subunit 1; minus strand). Cytogenetic location: 5p13.2.
Variant type: single nucleotide variant.
Coding change: c.1922A>G on transcript NM_001384732.1 (MANE Select); coding-DNA position 1922, A replaced by G.
Protein change: p.His641Arg; replaces histidine 641 with arginine.
Molecular consequence: missense variant.
Genome position (GRCh38, 1-based): chr5:37,226,673, T>C on the plus strand (A>G on the coding strand, the complement: CPLANE1 is on the minus strand). VCF-style: chr5-37226673-T-C. GRCh37 (hg19) VCF-style: chr5-37226775-T-C.
Other names: c.1922A>G, p.His641Arg (NM_023073.4); short protein forms H641R.
Identifiers: ClinVar variation 1946889 (VCV001946889.5), dbSNP rs1401668840, ClinGen allele CA359498123.
Genomic context (GRCh38, chr5:37,226,673, plus strand): 5'-ATCAAATGCCCCACATCTTGTTTGTATCTTATATCCCAATAATGGATTGATAAACACTGA[T>C]GAAAAAGTTGAAAGATACAAAGTATCCATGCATTATGTCTTGAGCTTTTGCTTAAAACAA-3'
Protein context (NP_001371661.1, residues 631-651): AWILCIFQLF[His641Arg]QCLSIHYWDI

ClinVar aggregate classification (germline): Uncertain significance (1 of 4 stars; one submission).

gnomAD v4.1: 1 of 1,551,044 alleles (0.000064%); highest among the groups gnomAD compares: Non-Finnish European, 0.000087%; no homozygotes.

Submission:

Labcorp Genetics (formerly Invitae), Labcorp
Classification: Uncertain significance. Last evaluated: 2022-07-14. Review status: criteria provided, single submitter. Criteria: Invitae Variant Classification Sherloc (09022015). Collection method: clinical testing. Allele origin: germline.
Comment: This sequence change replaces histidine, which is basic and polar, with arginine, which is basic and polar, at codon 641 of the CPLANE1 protein (p.His641Arg). This variant is not present in population databases (gnomAD no frequency). This variant has not been reported in the literature in individuals affected with CPLANE1-related conditions. Advanced modeling of protein sequence and biophysical properties (such as structural, functional, and spatial information, amino acid conservation, physicochemical variation, residue mobility, and thermodynamic stability) performed at Invitae indicates that this missense variant is not expected to disrupt CPLANE1 protein function. In summary, the available evidence is currently insufficient to determine the role of this variant in disease. Therefore, it has been classified as a Variant of Uncertain Significance.